The following is an entry in ClinVar:

ClinVar aggregate classification (germline): Uncertain significance (1 of 4 stars; one submission).

Conditions:
Myopathy, centronuclear, 2 (CNM2). Also called: MYOTUBULAR MYOPATHY, AUTOSOMAL RECESSIVE. Identifiers: Orphanet 169186, MedGen CN031787, MONDO:0009709, OMIM 255200.

Submission:

Labcorp Genetics (formerly Invitae), Labcorp
Classification: Uncertain significance for Myopathy, centronuclear, 2. Last evaluated: 2022-10-08. Review status: criteria provided, single submitter. Criteria: Invitae Variant Classification Sherloc (09022015). Collection method: clinical testing. Allele origin: germline.
Comment: In summary, the available evidence is currently insufficient to determine the role of this variant in disease. Therefore, it has been classified as a Variant of Uncertain Significance. Algorithms developed to predict the effect of missense changes on protein structure and function are either unavailable or do not agree on the potential impact of this missense change (SIFT: "Tolerated"; PolyPhen-2: "Probably Damaging"; Align-GVGD: "Class C0"). This variant has not been reported in the literature in individuals affected with BIN1-related conditions. This variant is not present in population databases (gnomAD no frequency). This sequence change replaces serine, which is neutral and polar, with arginine, which is basic and polar, at codon 371 of the BIN1 protein (p.Ser371Arg).

NM_139343.3(BIN1):c.1113C>G (p.Ser371Arg)

Gene: BIN1 (bridging integrator 1; minus strand). Cytogenetic location: 2q14.3.
Variant type: single nucleotide variant.
Coding change: c.1113C>G on transcript NM_139343.3 (MANE Select); coding-DNA position 1113, C replaced by G.
Protein change: p.Ser371Arg; replaces serine 371 with arginine.
Molecular consequence: missense variant. On other transcripts: intron variant (9).
Genome position (GRCh38, 1-based): chr2:127,057,491, G>C on the plus strand (C>G on the coding strand, the complement: BIN1 is on the minus strand). VCF-style: chr2-127057491-G-C. GRCh37 (hg19) VCF-style: chr2-127815067-G-C.
Other names: c.1113C>G, p.Ser371Arg (NM_001320640.2); c.1020C>G, p.Ser340Arg (NM_001320641.2, NM_139347.3, NM_139348.3); c.1032C>G, p.Ser344Arg (NM_001320642.1); c.1065C>G, p.Ser355Arg (NM_139346.3); c.837+1520C>G (NM_001320634.1); c.909+1520C>G (NM_139351.3, NM_139350.3, NM_139349.3); c.954+1520C>G (NM_001320632.2, NM_004305.4); c.1002+1520C>G (NM_001320633.2, NM_139345.3, NM_139344.3); short protein forms S340R, S344R, S355R, S371R.
Identifiers: ClinVar variation 1721243 (VCV001721243.5), dbSNP rs757286408, ClinGen allele CA348378409.